The following is an entry in ClinVar:

ClinVar aggregate classification (germline): Uncertain significance (1 of 4 stars; one submission).

Submission:

GeneDx
Classification: Uncertain significance. Last evaluated: 2024-02-06. Review status: criteria provided, single submitter. Criteria: GeneDx Variant Classification Process June 2021. Collection method: clinical testing. Allele origin: germline. Affected: yes.
Comment: Not observed at significant frequency in large population cohorts (gnomAD); In silico analysis supports that this missense variant does not alter protein structure/function; Has not been previously published as pathogenic or benign to our knowledge

NM_006415.4(SPTLC1):c.1405C>G (p.Gln469Glu)

Gene: SPTLC1 (serine palmitoyltransferase long chain base subunit 1; minus strand). Cytogenetic location: 9q22.31.
Variant type: single nucleotide variant.
Coding change: c.1405C>G on transcript NM_006415.4 (MANE Select); coding-DNA position 1405, C replaced by G.
Protein change: p.Gln469Glu; replaces glutamine 469 with glutamic acid.
Molecular consequence: missense variant.
Genome position (GRCh38, 1-based): chr9:92,032,482, G>C on the plus strand (C>G on the coding strand, the complement: SPTLC1 is on the minus strand). VCF-style: chr9-92032482-G-C. GRCh37 (hg19) VCF-style: chr9-94794764-G-C.
Other names: c.1373C>G, p.Pro458Arg (NM_001281303.2); c.1039C>G, p.Gln347Glu (NM_001368272.1); c.940C>G, p.Gln314Glu (NM_001368273.1); short protein forms P458R, Q314E, Q347E, Q469E.
Identifiers: ClinVar variation 3368954 (VCV003368954.1).